The following is an entry in ClinVar:

NM_024306.5(FA2H):c.461G>T (p.Arg154Leu)

Gene: FA2H (fatty acid 2-hydroxylase; minus strand). Cytogenetic location: 16q23.1.
Variant type: single nucleotide variant.
Coding change: c.461G>T on transcript NM_024306.5 (MANE Select); coding-DNA position 461, G replaced by T.
Protein change: p.Arg154Leu; replaces arginine 154 with leucine.
Molecular consequence: missense variant.
Genome position (GRCh38, 1-based): chr16:74,727,289, C>A on the plus strand (G>T on the coding strand, the complement: FA2H is on the minus strand). VCF-style: chr16-74727289-C-A. GRCh37 (hg19) VCF-style: chr16-74761187-C-A.
Other names: short protein forms R154L.
Identifiers: ClinVar variation 949103 (VCV000949103.8), dbSNP rs1204169977, ClinGen allele CA396770070.

ClinVar aggregate classification (germline): Conflicting classifications of pathogenicity. Review status: criteria provided, conflicting classifications (1 of 4 stars). 2 submissions from 2 submitters: Likely pathogenic (1); Uncertain significance (1). Last evaluated 2022-06-15.

Conditions:
FA2H-related disorder. Also called: FA2H-related condition.
Spastic paraplegia. Identifiers: MedGen C0037772, HP:0001258.

gnomAD v4.1: 4 of 1,614,132 alleles (0.00025%); highest among the groups gnomAD compares: Non-Finnish European, 0.00034%; no homozygotes.

Submissions (2):

Blueprint Genetics
Classification: Likely pathogenic for FA2H-related disorders. Last evaluated: 2022-06-15. Review status: criteria provided, single submitter. Criteria: ACMG Guidelines, 2015. Collection method: clinical testing. Allele origin: germline. Affected: yes. Observed: 1 variant allele.

Labcorp Genetics (formerly Invitae), Labcorp
Classification: Uncertain significance for Spastic paraplegia. Last evaluated: 2021-08-25. Review status: criteria provided, single submitter. Criteria: Invitae Variant Classification Sherloc (09022015). Collection method: clinical testing. Allele origin: germline.
Comment: This sequence change replaces arginine with leucine at codon 154 of the FA2H protein (p.Arg154Leu). The arginine residue is highly conserved and there is a moderate physicochemical difference between arginine and leucine. This variant is not present in population databases (ExAC no frequency). This variant has not been reported in the literature in individuals affected with FA2H-related conditions. Algorithms developed to predict the effect of missense changes on protein structure and function are either unavailable or do not agree on the potential impact of this missense change (SIFT: "Deleterious"; PolyPhen-2: "Probably Damaging"; Align-GVGD: "Class C0"). In summary, the available evidence is currently insufficient to determine the role of this variant in disease. Therefore, it has been classified as a Variant of Uncertain Significance.